The following is an entry in ClinVar:

NM_000152.5(GAA):c.*91G>A

Gene: GAA (alpha glucosidase; plus strand). Cytogenetic location: 17q25.3.
Variant type: single nucleotide variant.
Coding change: c.*91G>A on transcript NM_000152.5 (MANE Select); 91 bases downstream of the stop codon, G replaced by A.
Molecular consequence: 3 prime UTR variant.
Genome position (GRCh38, 1-based): chr17:80,119,422, G>A. VCF-style: chr17-80119422-G-A. GRCh37 (hg19) VCF-style: chr17-78093221-G-A.
Other names: c.*91G>A (LRG_673t1, NM_001079803.3, NM_001079804.3).
Identifiers: ClinVar variation 325799 (VCV000325799.11), dbSNP rs2229221, ClinGen allele CA10651260.

ClinVar aggregate classification (germline): Benign. Review status: criteria provided, multiple submitters, no conflicts (2 of 4 stars). 5 submissions from 5 submitters: Benign (5). Last evaluated 2026-07-01.

Conditions:
Glycogen storage disease, type II (IOPD). Also called: CARDIOMEGALIA GLYCOGENICA DIFFUSA; GLYCOGENOSIS, GENERALIZED, CARDIAC FORM; GSD II; POMPE DISEASE, INFANTILE-ONSET; GLYCOGEN STORAGE DISEASE II, INFANTILE-ONSET; ACID ALPHA-GLUCOSIDASE DEFICIENCY, INFANTILE-ONSET. Identifiers: Orphanet 365, MedGen C0017921, MONDO:0009290, OMIM 232300.

Allele frequency attached by ClinVar (database versions not stated): gnomAD exomes 0.07512; gnomAD 0.11776 and 0.12196; 1000 Genomes Project 0.12001; TOPMed 0.12166; 1000 Genomes Project 30x 0.12352.
gnomAD v4.1: 90,246 of 1,111,078 alleles (8.1%); highest among the groups gnomAD compares: African/African-American, 24%; 4,923 homozygotes.

Submissions (5):

Genomenon, Inc
Classification: Benign for Glycogen storage disease, type II. Last evaluated: 2026-07-01. Review status: criteria provided, single submitter. Criteria: Genomenon Sequence Variant Interpretation Standards - Updated. Collection method: curation. Allele origin: germline. Affected: no.
Comment: GAA c.*91G>A is a variant located in the 3′ untranslated region (3′ UTR). This variant is present at high allele frequency in population databases. We classify GAA c.*91G>A as a benign variant.

Genome-Nilou Lab
Classification: Benign for Glycogen storage disease, type II. Last evaluated: 2021-06-10. Review status: criteria provided, single submitter. Criteria: ACMG Guidelines, 2015. Collection method: clinical testing. Allele origin: germline. Affected: no.

Illumina Laboratory Services, Illumina
Classification: Benign for Glycogen storage disease, type II. Last evaluated: 2018-01-12. Review status: criteria provided, single submitter. Criteria: ICSL Variant Classification Criteria 13 December 2019. Collection method: clinical testing. Allele origin: germline.
Comment: This variant was observed in the ICSL laboratory as part of a predisposition screen in an ostensibly healthy population. It had not been previously curated by ICSL or reported in the Human Gene Mutation Database (HGMD: prior to June 1st, 2018), and was therefore a candidate for classification through an automated scoring system. Utilizing variant allele frequency, disease prevalence and penetrance estimates, and inheritance mode, an automated score was calculated to assess if this variant is too frequent to cause the disease. Based on the score and internal cut-off values, a variant classified as benign is not then subjected to further curation. The score for this variant resulted in a classification of benign for this disease.

GeneDx
Classification: Benign. Last evaluated: 2015-03-03. Review status: criteria provided, single submitter. Criteria: GeneDx Variant Classification Process June 2021. Collection method: clinical testing. Allele origin: germline. Affected: yes.

Breakthrough Genomics
Classification: Benign. Review status: criteria provided, single submitter. Criteria: ACMG Guidelines, 2015. Collection method: not provided. Allele origin: germline. Inheritance: Autosomal recessive inheritance. Affected: yes.